The following is an entry in ClinVar:

ClinVar aggregate classification (germline): Benign. Review status: criteria provided, multiple submitters, no conflicts (2 of 4 stars). 12 submissions from 11 submitters: Benign (9). 3 of the submissions do not count toward it. Last evaluated 2026-02-04.

Conditions:
Fibromuscular dysplasia, multifocal. Identifiers: MedGen C5543412, MONDO:0859151, OMIM 619329.
Ehlers-Danlos syndrome, classic type, 1 (EDSCL1). Also called: Ehlers-Danlos syndrome, type 1; EHLERS-DANLOS SYNDROME, GRAVIS TYPE; EHLERS-DANLOS SYNDROME, SEVERE CLASSIC TYPE; Ehlers-Danlos Syndrome, Classic Type, COL5A1-Related; EDS I. Identifiers: MedGen C0268335, MONDO:0019567, OMIM 130000.

Allele frequency attached by ClinVar (database versions not stated): gnomAD 0.31743 and 0.31635; ESP Exome Variant Server 0.32516; ExAC 0.34179; gnomAD exomes 0.34265 and 0.37343; 1000 Genomes Project 30x 0.27405; 1000 Genomes Project 0.27516; TOPMed 0.31065.
gnomAD v4.1: 591,435 of 1,609,628 alleles (37%); highest among the groups gnomAD compares: Non-Finnish European, 39%; 111,610 homozygotes.

Submissions (12):

Labcorp Genetics (formerly Invitae), Labcorp
Classification: Benign for Ehlers-Danlos syndrome, classic type, 1. Last evaluated: 2026-02-04. Review status: criteria provided, single submitter. Criteria: Invitae Variant Classification Sherloc (09022015). Collection method: clinical testing. Allele origin: germline.

Blueprint Genetics
Classification: Benign. Last evaluated: 2024-11-27. Review status: criteria provided, single submitter. Criteria: ACMG Guidelines, 2015. Collection method: clinical testing. Allele origin: germline.

Genome-Nilou Lab
Classification: Benign for Ehlers-Danlos syndrome, classic type, 1. Last evaluated: 2021-07-30. Review status: criteria provided, single submitter. Criteria: ACMG Guidelines, 2015. Collection method: clinical testing. Allele origin: germline. Affected: no.

Genome-Nilou Lab
Classification: Benign for Fibromuscular dysplasia, multifocal. Last evaluated: 2021-07-30. Review status: criteria provided, single submitter. Criteria: ACMG Guidelines, 2015. Collection method: clinical testing. Allele origin: germline. Affected: no.

Mayo Clinic Laboratories, Mayo Clinic
Classification: Benign. Last evaluated: 2017-11-03. Review status: criteria provided, single submitter. Criteria: ACMG Guidelines, 2015. Collection method: clinical testing. Allele origin: germline. Observed: 3,223 variant alleles.

Women's Health and Genetics/Laboratory Corporation of America, LabCorp
Classification: Benign. Last evaluated: 2017-03-10. Review status: criteria provided, single submitter. Criteria: LabCorp Variant Classification Summary - May 2015. Collection method: clinical testing. Allele origin: germline.
Comment: Variant summary: The COL5A1 c.4176+9T>G variant involves the alteration of a non-conserved intronic nucleotide. One in silico tool predicts a benign outcome for this variant. 4/5 splice prediction tools predict no significant impact on normal splicing. However, these predictions have yet to be confirmed by functional studies. This variant was found in 41350/120980 control chromosomes (7355 homozygotes) at a frequency of 0.341792, which is approximately 273433 times the estimated maximal expected allele frequency of a pathogenic COL5A1 variant (0.0000013), suggesting this variant is likely a benign polymorphism. In addition, multiple clinical diagnostic laboratories/reputable databases classified this variant as benign. Taken together, this variant is classified as benign.

GeneDx
Classification: Benign. Last evaluated: 2012-11-02. Review status: criteria provided, single submitter. Criteria: GeneDx Variant Classification (06012015). Collection method: clinical testing. Allele origin: germline. Affected: yes.
Comment: This variant is considered likely benign or benign based on one or more of the following criteria: it is a conservative change, it occurs at a poorly conserved position in the protein, it is predicted to be benign by multiple in silico algorithms, and/or has population frequency not consistent with disease.

Breakthrough Genomics
Classification: Benign. Review status: criteria provided, single submitter. Criteria: ACMG Guidelines, 2015. Collection method: not provided. Allele origin: germline. Inheritance: Autosomal dominant inheritance. Affected: yes.

PreventionGenetics, part of Exact Sciences
Classification: Benign. Review status: criteria provided, single submitter. Criteria: ACMG Guidelines, 2015. Collection method: clinical testing. Allele origin: germline.

Clinical Genetics DNA and cytogenetics Diagnostics Lab, Erasmus MC, Erasmus Medical Center
Classification: Benign. Review status: no assertion criteria provided. Collection method: clinical testing. Allele origin: germline. Affected: yes. Study: VKGL Data-share Consensus. Not counted in ClinVar's aggregate classification.

Diagnostic Laboratory, Department of Genetics, University Medical Center Groningen
Classification: Benign. Review status: no assertion criteria provided. Collection method: clinical testing. Allele origin: germline. Affected: yes. Study: VKGL Data-share Consensus. Not counted in ClinVar's aggregate classification.

Genome Diagnostics Laboratory, Amsterdam University Medical Center
Classification: Benign. Review status: no assertion criteria provided. Collection method: clinical testing. Allele origin: germline. Affected: yes. Study: VKGL Data-share Consensus. Not counted in ClinVar's aggregate classification.

NM_000093.5(COL5A1):c.4176+9T>G

Gene: COL5A1 (collagen type V alpha 1 chain; plus strand). Cytogenetic location: 9q34.3.
Variant type: single nucleotide variant.
Coding change: c.4176+9T>G on transcript NM_000093.5 (MANE Select); 9 bases into the intron after coding-DNA position 4176, T replaced by G.
Molecular consequence: intron variant.
Genome position (GRCh38, 1-based): chr9:134,817,088, T>G. VCF-style: chr9-134817088-T-G. GRCh37 (hg19) VCF-style: chr9-137708934-T-G.
Other names: p.?; c.4176+9T>G (NM_001278074.1).
Identifiers: ClinVar variation 136891 (VCV000136891.25), dbSNP rs10858282, ClinGen allele CA290278.
Genomic context (GRCh38, chr9:134,817,088, plus strand): 5'-ATCCCCCGGCCCTACTGGTGAACCAGGTCCATCGGGGCCTCCAGGAAAAAGGGTAAATAA[T>G]CCTGCAGGCACATCCTTGCTGTCAAATCCCTGCATGAAACACCCCCGCCCCTCCCCGTCA-3'